The following is an entry in ClinVar:

NM_018965.4(TREM2):c.491T>A (p.Leu164Ter)

Gene: TREM2 (triggering receptor expressed on myeloid cells 2; minus strand). Cytogenetic location: 6p21.1.
Variant type: single nucleotide variant.
Coding change: c.491T>A on transcript NM_018965.4 (MANE Select); coding-DNA position 491, T replaced by A.
Protein change: p.Leu164Ter; replaces leucine 164 with a stop codon.
Molecular consequence: nonsense. On other transcripts: intron variant (1).
Genome position (GRCh38, 1-based): chr6:41,159,058, A>T on the plus strand (T>A on the coding strand, the complement: TREM2 is on the minus strand). VCF-style: chr6-41159058-A-T. GRCh37 (hg19) VCF-style: chr6-41126796-A-T.
Other names: c.483-278T>A (NM_001271821.2); short protein forms L164*.
Identifiers: ClinVar variation 4687831 (VCV004687831.1).
Genomic context (GRCh38, chr6:41,159,058, plus strand): 5'-AGAAAGATGCAGGCCAGGAGGAGAAGGATGGAAGTGGGTGGGAAGGGGATTTCTCCTTCC[A>T]AGAGGCTCCTTGGAGAGACAAGAAGGCAGATGGGAGCCTTGAGATGGCCTACAGATTAGA-3'

ClinVar aggregate classification (germline): Pathogenic (1 of 4 stars; one submission).

Conditions:
Polycystic lipomembranous osteodysplasia with sclerosing leukoencephalopathy 2. Also called: TREM2-Related Polycystic Lipomembranous Osteodysplasia with Sclerosing Leukoencephalopathy. Identifiers: MedGen C4748657, MONDO:0020750, OMIM 618193.

Submission:

Women's Health and Genetics/Laboratory Corporation of America, LabCorp
Classification: Pathogenic for Polycystic lipomembranous osteodysplasia with sclerosing leukoencephalopathy 2. Last evaluated: 2025-10-22. Review status: criteria provided, single submitter. Criteria: LabCorp Variant Classification Summary - May 2015. Collection method: clinical testing. Allele origin: germline.
Comment: Variant summary: TREM2 c.491T>A (p.Leu164X) results in a premature termination codon, predicted to cause a truncation of the encoded protein or absence of the protein due to nonsense mediated decay, which are commonly known mechanisms for disease. The variant was absent in 246064 control chromosomes. To our knowledge, no occurrence of c.491T>A in individuals affected with TREM2-related conditions and no experimental evidence demonstrating its impact on protein function have been reported. No submitters have cited clinical-significance assessments for this variant to ClinVar. Based on the evidence outlined above, the variant was classified as pathogenic.